The following is an entry in ClinVar:

ClinVar aggregate classification (germline): Uncertain significance. Review status: criteria provided, single submitter (1 of 4 stars). 2 submissions from 2 submitters: Uncertain significance (1). 1 of the submissions does not count toward it. Last evaluated 2021-08-20.

Conditions:
Hereditary insensitivity to pain with anhidrosis (CIPA). Also called: INSENSITIVITY TO PAIN, CONGENITAL, WITH ANHIDROSIS; NEUROPATHY, CONGENITAL SENSORY, WITH ANHIDROSIS; hereditary sensory and autonomic neuropathy type 4; HSAN Type IV; NTRK1 Congenital Insensitivity to Pain with Anhidrosis; FAMILIAL DYSAUTONOMIA, TYPE II. Identifiers: Orphanet 642, MedGen C0020074, MONDO:0009746, OMIM 256800.

Allele frequency attached by ClinVar (database versions not stated): ExAC 0.00001; ESP Exome Variant Server 0.00015.
gnomAD v4.1: 12 of 1,613,986 alleles (0.00074%); highest among the groups gnomAD compares: Non-Finnish European, 0.00093%; no homozygotes.

Submissions (2):

Labcorp Genetics (formerly Invitae), Labcorp
Classification: Uncertain significance for Hereditary insensitivity to pain with anhidrosis. Last evaluated: 2021-08-20. Review status: criteria provided, single submitter. Criteria: Invitae Variant Classification Sherloc (09022015). Collection method: clinical testing. Allele origin: germline.
Comment: This sequence change replaces glycine with aspartic acid at codon 102 of the NTRK1 protein (p.Gly102Asp). The glycine residue is highly conserved and there is a moderate physicochemical difference between glycine and aspartic acid. This variant is present in population databases (rs374170641, ExAC 0.002%). This variant has not been reported in the literature in individuals affected with NTRK1-related conditions. Algorithms developed to predict the effect of missense changes on protein structure and function are either unavailable or do not agree on the potential impact of this missense change (SIFT: "Deleterious"; PolyPhen-2: "Possibly Damaging"; Align-GVGD: "Class C0"). In summary, the available evidence is currently insufficient to determine the role of this variant in disease. Therefore, it has been classified as a Variant of Uncertain Significance.

Natera, Inc.
Classification: Uncertain significance for Hereditary insensitivity to pain with anhidrosis. Last evaluated: 2020-10-07. Review status: no assertion criteria provided. Collection method: clinical testing. Allele origin: germline. Not counted in ClinVar's aggregate classification.

NM_002529.4(NTRK1):c.305G>A (p.Gly102Asp)

Gene: NTRK1 (neurotrophic receptor tyrosine kinase 1; plus strand). Cytogenetic location: 1q23.1.
Variant type: single nucleotide variant.
Coding change: c.305G>A on transcript NM_002529.4 (MANE Select); coding-DNA position 305, G replaced by A.
Protein change: p.Gly102Asp; replaces glycine 102 with aspartic acid.
Molecular consequence: missense variant.
Genome position (GRCh38, 1-based): chr1:156,864,745, G>A. VCF-style: chr1-156864745-G-A. GRCh37 (hg19) VCF-style: chr1-156834537-G-A.
Other names: c.215G>A, p.Gly72Asp (NM_001007792.1); c.305G>A, p.Gly102Asp (NM_001012331.2); short protein forms G72D, G102D.
Identifiers: ClinVar variation 948089 (VCV000948089.6), dbSNP rs374170641, ClinGen allele CA1168907.
Genomic context (GRCh38, chr1:156,864,745, plus strand): 5'-GTAGCTGAGACCTGGGGACTGATCCTCCTGCACCCCTCCCCAGCACCATCGTGAAGAGTG[G>A]TCTCCGTTTCGTGGCGCCAGATGCCTTCCATTTCACTCCTCGGCTCAGTCGCCTGTGAGT-3'
Protein context (NP_002520.2, residues 92-112): ELRNLTIVKS[Gly102Asp]LRFVAPDAFH